The following is an entry in ClinVar:

NM_007294.4(BRCA1):c.4185+3333T>C

Gene: BRCA1 (BRCA1 DNA repair associated; minus strand). Cytogenetic location: 17q21.31.
Variant type: single nucleotide variant.
Coding change: c.4185+3333T>C on transcript NM_007294.4 (MANE Select); 3333 bases into the intron after coding-DNA position 4185, T replaced by C.
Molecular consequence: intron variant.
Genome position (GRCh38, 1-based): chr17:43,087,611, A>G on the plus strand (T>C on the coding strand, the complement: BRCA1 is on the minus strand). VCF-style: chr17-43087611-A-G. GRCh37 (hg19) VCF-style: chr17-41239628-A-G.
Other names: IVS 12+3333T>C; c.735+3333T>C (NM_001408458.1, NM_001408469.1, NM_001408453.1 and 11 more transcripts); c.3297+3333T>C (NM_001407967.1, NM_001407966.1); c.3804+3333T>C (NM_001407959.1, NM_001407963.1, NM_001407960.1); c.3918+3333T>C (NM_001407931.1, NM_001407932.1, NM_001407934.1 and 2 more transcripts); c.4041+3333T>C (NM_001407747.1, NM_001407848.1, NM_001407839.1 and 20 more transcripts); c.3801+3333T>C (NM_001407962.1); c.372+3333T>C (NM_001408512.1); and 42 more.
Identifiers: ClinVar variation 209426 (VCV000209426.2), dbSNP rs8176168, ClinGen allele CA276398.

ClinVar aggregate classification (germline): Benign (3 of 4 stars; one submission).

Conditions:
Breast-ovarian cancer, familial, susceptibility to, 1 (BROVCA1). Also called: BRCA1 Hereditary Breast and Ovarian Cancer; OVARIAN CANCER, SUSCEPTIBILITY TO. Identifiers: Orphanet 145, MedGen C2676676, MONDO:0011450, OMIM 604370. Disease mechanism: loss of function.

Allele frequency attached by ClinVar (database versions not stated): TOPMed 0.30213; gnomAD 0.30740 and 0.31485; 1000 Genomes Project 30x 0.34760; 1000 Genomes Project 0.35363.

Submission:

Evidence-based Network for the Interpretation of Germline Mutant Alleles (ENIGMA)
Classification: Benign for Breast-ovarian cancer, familial 1. Last evaluated: 2015-01-12. Review status: reviewed by expert panel. Criteria: ENIGMA BRCA1/2 Classification Criteria (2015). Collection method: curation. Allele origin: germline.
Comment: Class 1 not pathogenic based on frequency >1% in an outbred sampleset. Frequency 0.3287 (Asian), 0.2093 (African), 0.3536 (European), derived from 1000 genomes (2012-04-30).